The following is an entry in ClinVar:

NM_001288705.3(CSF1R):c.282C>T (p.Ser94=)

Gene: CSF1R (colony stimulating factor 1 receptor; minus strand). Cytogenetic location: 5q32.
Variant type: single nucleotide variant.
Coding change: c.282C>T on transcript NM_001288705.3 (MANE Select); coding-DNA position 282, C replaced by T.
Protein change: p.Ser94=; no amino-acid change (serine 94 retained).
Molecular consequence: synonymous variant. On other transcripts: 5 prime UTR variant (1), non-coding transcript variant (2).
Genome position (GRCh38, 1-based): chr5:150,080,792, G>A on the plus strand (C>T on the coding strand, the complement: CSF1R is on the minus strand). VCF-style: chr5-150080792-G-A. GRCh37 (hg19) VCF-style: chr5-149460355-G-A.
Other names: p.Ser94=; c.282C>T, p.Ser94= (NM_001349736.2, NM_001375320.1, NM_005211.4); c.-163C>T (NM_001375321.1).
Identifiers: ClinVar variation 352172 (VCV000352172.56), dbSNP rs41287102, ClinGen allele CA3507231.
Genomic context (GRCh38, chr5:150,080,792, plus strand): 5'-GTCAGGCCTCTTGGGAGGAGGCTCAGACTCCTCACCTTTGACATAGAGGTGGATGGCGGC[G>A]CTGCCTCCCAGGGGGTCTCCAGGCTCAGTGCAGCGATAGGTCCCCGTGTTTTGGAAGGTA-3'
Protein context (NP_001275634.1, residues 84-104): CTEPGDPLGG[Ser94=]AAIHLYVKDP

ClinVar aggregate classification (germline): Benign/Likely benign. Review status: criteria provided, multiple submitters, no conflicts (2 of 4 stars). 11 submissions from 10 submitters: Benign (3); Likely benign (4). 4 of the submissions do not count toward it. Last evaluated 2026-07-01.

Conditions:
CSF1R-related disorder. Also called: CSF1R-related condition. Identifiers: MedGen CN379780, MONDO:0100632.
Hereditary diffuse leukoencephalopathy with spheroids. Also called: LEUKOENCEPHALOPATHY, ADULT-ONSET, WITH AXONAL SPHEROIDS AND PIGMENTED GLIA. Identifiers: Orphanet 313808, MedGen C3711381, MONDO:0030796.

Allele frequency attached by ClinVar (database versions not stated): 1000 Genomes Project 30x 0.00359; gnomAD 0.00490 and 0.00495; gnomAD exomes 0.00502 and 0.00569; ExAC 0.00522; ESP Exome Variant Server 0.00546; TOPMed 0.00575.
gnomAD v4.1: 9,075 of 1,614,056 alleles (0.56%); highest among the groups gnomAD compares: Middle Eastern, 1.1%; 33 homozygotes.

Submissions (11):

CeGaT Center for Human Genetics Tuebingen
Classification: Likely benign. Last evaluated: 2026-07-01. Review status: criteria provided, single submitter. Criteria: CeGaT Center For Human Genetics Tuebingen Variant Classification Criteria Version 2. Collection method: clinical testing. Allele origin: germline. Affected: yes. Observed: 27 variant alleles.
Comment: CSF1R: BP4, BP7, BS2

Labcorp Genetics (formerly Invitae), Labcorp
Classification: Benign. Last evaluated: 2026-02-01. Review status: criteria provided, single submitter. Criteria: Invitae Variant Classification Sherloc (09022015). Collection method: clinical testing. Allele origin: germline.

Blueprint Genetics
Classification: Likely benign. Last evaluated: 2024-11-26. Review status: criteria provided, single submitter. Criteria: ACMG Guidelines, 2015. Collection method: clinical testing. Allele origin: germline.

Mayo Clinic Laboratories, Mayo Clinic
Classification: Benign. Last evaluated: 2023-05-02. Review status: criteria provided, single submitter. Criteria: ACMG Guidelines, 2015. Collection method: clinical testing. Allele origin: germline. Observed: 27 variant alleles.
Comment: BS1, BS2, BP4, BP7

Illumina Laboratory Services, Illumina
Classification: Benign for Leukoencephalopathy, diffuse hereditary, with spheroids 1. Last evaluated: 2018-01-12. Review status: criteria provided, single submitter. Criteria: ICSL Variant Classification Criteria 13 December 2019. Collection method: clinical testing. Allele origin: germline.
Comment: This variant was observed in the ICSL laboratory as part of a predisposition screen in an ostensibly healthy population. It had not been previously curated by ICSL or reported in the Human Gene Mutation Database (HGMD: prior to June 1st, 2018), and was therefore a candidate for classification through an automated scoring system. Utilizing variant allele frequency, disease prevalence and penetrance estimates, and inheritance mode, an automated score was calculated to assess if this variant is too frequent to cause the disease. Based on the score and internal cut-off values, a variant classified as benign is not then subjected to further curation. The score for this variant resulted in a classification of benign for this disease.

Clinical Genetics DNA and cytogenetics Diagnostics Lab, Erasmus MC, Erasmus Medical Center
Classification: Likely benign for Leukoencephalopathy, diffuse hereditary, with spheroids 1. Last evaluated: 2017-06-28. Review status: criteria provided, single submitter. Criteria: ACGS Guidelines, 2013. Collection method: clinical testing. Allele origin: germline. Affected: yes. Study: VKGL Data-share Consensus.

Breakthrough Genomics
Classification: Likely benign. Review status: criteria provided, single submitter. Criteria: ACMG Guidelines, 2015. Collection method: not provided. Allele origin: germline. Inheritance: Autosomal recessive inheritance. Affected: yes.

PreventionGenetics, part of Exact Sciences
Classification: Benign for CSF1R-related condition. Last evaluated: 2019-04-15. Review status: no assertion criteria provided. Collection method: clinical testing. Allele origin: germline. Not counted in ClinVar's aggregate classification.
Comment: This variant is classified as benign based on ACMG/AMP sequence variant interpretation guidelines (Richards et al. 2015 PMID: 25741868, with internal and published modifications).

Genome Diagnostics Laboratory, Amsterdam University Medical Center
Classification: Likely benign for Leukoencephalopathy, diffuse hereditary, with spheroids 1. Last evaluated: 2015-10-29. Review status: no assertion criteria provided. Criteria: ACGS Guidelines, 2013. Collection method: clinical testing. Allele origin: germline. Affected: yes. Study: VKGL Data-share Consensus. Not counted in ClinVar's aggregate classification.

Genome Diagnostics Laboratory, Amsterdam University Medical Center
Classification: Benign. Review status: no assertion criteria provided. Collection method: clinical testing. Allele origin: germline. Affected: yes. Study: VKGL Data-share Consensus. Not counted in ClinVar's aggregate classification.

Laboratory of Diagnostic Genome Analysis, Leiden University Medical Center (LUMC)
Classification: Likely benign. Review status: no assertion criteria provided. Collection method: clinical testing. Allele origin: germline. Affected: yes. Study: VKGL Data-share Consensus. Not counted in ClinVar's aggregate classification.